The following is an entry in ClinVar:

ClinVar aggregate classification (germline): Uncertain significance (1 of 4 stars; one submission).

Conditions:
Myoclonic dystonia 11 (DYT11). Also called: Myoclonic dystonia; Dystonia 11; Dystonia, alcohol responsive; Hereditary essential myoclonus; SGCE Myoclonus-Dystonia; Myoclonus-Dystonia. Identifiers: Orphanet 36899, MedGen C1834570, MONDO:0008044, OMIM 159900.

Submission:

Labcorp Genetics (formerly Invitae), Labcorp
Classification: Uncertain significance for Myoclonic dystonia 11. Last evaluated: 2024-06-04. Review status: criteria provided, single submitter. Criteria: Invitae Variant Classification Sherloc (09022015). Collection method: clinical testing. Allele origin: germline.
Comment: This sequence change replaces glutamic acid, which is acidic and polar, with glutamine, which is neutral and polar, at codon 344 of the SGCE protein (p.Glu344Gln). This variant is not present in population databases (gnomAD no frequency). This variant has not been reported in the literature in individuals affected with SGCE-related conditions. Advanced modeling of protein sequence and biophysical properties (such as structural, functional, and spatial information, amino acid conservation, physicochemical variation, residue mobility, and thermodynamic stability) performed at Invitae indicates that this missense variant is not expected to disrupt SGCE protein function with a negative predictive value of 80%. In summary, the available evidence is currently insufficient to determine the role of this variant in disease. Therefore, it has been classified as a Variant of Uncertain Significance.

NM_003919.3(SGCE):c.1030G>C (p.Glu344Gln)

Genes: CASD1 (CAS1 domain sialic acid O acetyltransferase 1; plus strand), SGCE (sarcoglycan epsilon; minus strand). Cytogenetic location: 7q21.3.
Variant type: single nucleotide variant.
Coding change: c.1030G>C on transcript NM_003919.3 (MANE Select); coding-DNA position 1030, G replaced by C.
Protein change: p.Glu344Gln; replaces glutamic acid 344 with glutamine.
Molecular consequence: missense variant.
Genome position (GRCh38, 1-based): chr7:94,600,653, C>G on the plus strand (G>C on the coding strand, the complement: SGCE is on the minus strand). VCF-style: chr7-94600653-C-G. GRCh37 (hg19) VCF-style: chr7-94229965-C-G.
Other names: c.1030G>C, p.Glu344Gln (NM_001099400.2, NM_001099401.2, NM_001346717.2); c.907G>C, p.Glu303Gln (NM_001301139.2, NM_001362809.2); c.1138G>C, p.Glu380Gln (NM_001346713.2, NM_001346715.2); c.943G>C, p.Glu315Gln (NM_001346719.2, NM_001362807.2); c.757G>C, p.Glu253Gln (NM_001346720.2, NM_001362808.2); short protein forms E253Q, E303Q, E315Q, E344Q, E380Q.
Identifiers: ClinVar variation 3629034 (VCV003629034.2).